The following is an entry in ClinVar:

ClinVar aggregate classification (germline): Uncertain significance (1 of 4 stars; one submission).

Conditions:
Emery-Dreifuss muscular dystrophy 5, autosomal dominant (EDMD5). Also called: EMERY-DREIFUSS MUSCULAR DYSTROPHY 5. Identifiers: Orphanet 261, MedGen C2751805, MONDO:0013072, OMIM 612999.

Allele frequency attached by ClinVar (database versions not stated): TOPMed below 0.00001; gnomAD exomes 0.00001; ExAC 0.00002.
gnomAD v4.1: 4 of 1,614,206 alleles (0.00025%); highest among the groups gnomAD compares: Admixed American, 0.0067%; no homozygotes.

Submission:

Labcorp Genetics (formerly Invitae), Labcorp
Classification: Uncertain significance for Emery-Dreifuss muscular dystrophy 5, autosomal dominant. Last evaluated: 2023-08-17. Review status: criteria provided, single submitter. Criteria: Invitae Variant Classification Sherloc (09022015). Collection method: clinical testing. Allele origin: germline.
Comment: In summary, the available evidence is currently insufficient to determine the role of this variant in disease. Therefore, it has been classified as a Variant of Uncertain Significance. Algorithms developed to predict the effect of missense changes on protein structure and function output the following: SIFT: "Not Available"; PolyPhen-2: "Benign"; Align-GVGD: "Not Available". The aspartic acid amino acid residue is found in multiple mammalian species, which suggests that this missense change does not adversely affect protein function. This variant has not been reported in the literature in individuals affected with SYNE2-related conditions. This variant is present in population databases (rs760851754, gnomAD 0.01%). This sequence change replaces glutamic acid, which is acidic and polar, with aspartic acid, which is acidic and polar, at codon 3522 of the SYNE2 protein (p.Glu3522Asp).

NM_182914.3(SYNE2):c.10566G>T (p.Glu3522Asp)

Gene: SYNE2 (spectrin repeat containing nuclear envelope protein 2; plus strand). Cytogenetic location: 14q23.2.
Variant type: single nucleotide variant.
Coding change: c.10566G>T on transcript NM_182914.3 (MANE Select); coding-DNA position 10566, G replaced by T.
Protein change: p.Glu3522Asp; replaces glutamic acid 3522 with aspartic acid.
Molecular consequence: missense variant.
Genome position (GRCh38, 1-based): chr14:64,070,779, G>T. VCF-style: chr14-64070779-G-T. GRCh37 (hg19) VCF-style: chr14-64537497-G-T.
Other names: c.10566G>T, p.Glu3522Asp (NM_015180.6); short protein forms E3522D.
Identifiers: ClinVar variation 2992661 (VCV002992661.3), dbSNP rs760851754, ClinGen allele CA7221553.